The following is an entry in ClinVar:

NM_001083603.3(PTCH1):c.74del (p.Pro25fs)

Gene: PTCH1 (patched 1; minus strand). Cytogenetic location: 9q22.32.
Variant type: Deletion.
Coding change: c.74del on transcript NM_001083603.3 (MANE Plus Clinical); coding-DNA position 74, one base deleted (C; older notation c.74delC).
Protein change: p.Pro25fs; shifts the reading frame from proline 25.
Molecular consequence: frameshift variant. On other transcripts: 5 prime UTR variant (2).
Genome position (GRCh38, 1-based): chr9:95,516,747, G deleted on the plus strand (C on the coding strand, the reverse complement: PTCH1 is on the minus strand); the first of 3 consecutive G bases (chr9:95,516,747-95,516,749); deleting any one gives the same sequence. VCF-style (leftmost placement, unchanged base first): chr9-95516746-TG-T. GRCh37 (hg19) VCF-style: chr9-98279028-TG-T.
Other names: c.-276del (NM_001083602.3, NM_001354919.2); short protein forms P25fs.
Identifiers: ClinVar variation 998196 (VCV000998196.7), dbSNP rs1350435311, ClinGen allele CA466112333.

ClinVar aggregate classification (germline): Conflicting classifications of pathogenicity. Review status: criteria provided, conflicting classifications (1 of 4 stars). 3 submissions from 3 submitters: Uncertain significance (2); Likely benign (1). Last evaluated 2026-05-05.

Conditions:
Basal cell carcinoma, susceptibility to, 1. Also called: BCC1. Identifiers: MedGen C2751544, MONDO:0011556, OMIM 605462.
Gorlin syndrome. Also called: Basal cell nevus syndrome; Nevoid Basal Cell Carcinoma Syndrome. Identifiers: Orphanet 377, MedGen C0004779, MONDO:0007187.
Holoprosencephaly 7 (HPE7). Identifiers: Orphanet 2162, MedGen C1835820, MONDO:0012562, OMIM 610828.
PTCH1-related disorder. Also called: PTCH1-related disorders; PTCH1-related condition.

Submissions (3):

PreventionGenetics, part of Exact Sciences
Classification: Likely benign for PTCH1-related condition. Last evaluated: 2026-05-05. Review status: criteria provided, single submitter. Criteria: ACMG Guidelines, 2015. Collection method: clinical testing. Allele origin: germline.
Comment: This variant is classified as likely benign based on ACMG/AMP sequence variant interpretation guidelines (Richards et al. 2015 PMID: 25741868, with internal and published modifications).

Fulgent Genetics
Classification: Uncertain significance for Basal cell nevus syndrome 1; Basal cell carcinoma, susceptibility to, 1; Holoprosencephaly 7. Last evaluated: 2021-07-27. Review status: criteria provided, single submitter. Criteria: ACMG Guidelines, 2015. Collection method: clinical testing. Allele origin: unknown.

Baylor Genetics
Classification: Uncertain significance for Holoprosencephaly 7. Last evaluated: 2020-08-27. Review status: criteria provided, single submitter. Criteria: ACMG Guidelines, 2015. Collection method: clinical testing. Allele origin: maternal. Affected: yes. Study: CSER-TexasKidsCanSeq.
Comment: This variant was determined to be of uncertain significance according to ACMG Guidelines, 2015 [PMID:25741868].